The following is an entry in ClinVar:

ClinVar aggregate classification (germline): Uncertain significance. Review status: criteria provided, multiple submitters, no conflicts (2 of 4 stars). 2 submissions from 2 submitters: Uncertain significance (2). Last evaluated 2025-04-10.

Allele frequency attached by ClinVar (database versions not stated): ExAC 0.00001; gnomAD exomes 0.00002; TOPMed 0.00003; gnomAD 0.00004.

Submissions (2):

Ambry Genetics
Classification: Uncertain significance. Last evaluated: 2025-04-10. Review status: criteria provided, single submitter. Criteria: Ambry Variant Classification Scheme 2023. Collection method: clinical testing. Allele origin: germline.

Labcorp Genetics (formerly Invitae), Labcorp
Classification: Uncertain significance. Last evaluated: 2024-01-19. Review status: criteria provided, single submitter. Criteria: Invitae Variant Classification Sherloc (09022015). Collection method: clinical testing. Allele origin: germline.
Comment: This sequence change replaces valine, which is neutral and non-polar, with alanine, which is neutral and non-polar, at codon 593 of the ZDBF2 protein (p.Val593Ala). This variant is present in population databases (rs113062013, gnomAD 0.004%). This variant has not been reported in the literature in individuals affected with ZDBF2-related conditions. ClinVar contains an entry for this variant (Variation ID: 2148919). Algorithms developed to predict the effect of missense changes on protein structure and function output the following: SIFT: "Not Available"; PolyPhen-2: "Possibly Damaging"; Align-GVGD: "Not Available". The alanine amino acid residue is found in multiple mammalian species, which suggests that this missense change does not adversely affect protein function. In summary, the available evidence is currently insufficient to determine the role of this variant in disease. Therefore, it has been classified as a Variant of Uncertain Significance.

NM_020923.3(ZDBF2):c.1778T>C (p.Val593Ala)

Gene: ZDBF2 (zinc finger DBF-type containing 2; plus strand). Cytogenetic location: 2q33.3.
Variant type: single nucleotide variant.
Coding change: c.1778T>C on transcript NM_020923.3 (MANE Select); coding-DNA position 1778, T replaced by C.
Protein change: p.Val593Ala; replaces valine 593 with alanine.
Molecular consequence: missense variant.
Genome position (GRCh38, 1-based): chr2:206,306,306, T>C. VCF-style: chr2-206306306-T-C. GRCh37 (hg19) VCF-style: chr2-207171030-T-C.
Other names: c.1778T>C (NM_020923.1); c.1772T>C, p.Val591Ala (NM_001285549.2); c.1778T>C, p.Val593Ala (NM_001369654.1); short protein forms V591A, V593A.
Identifiers: ClinVar variation 2148919 (VCV002148919.5), dbSNP rs113062013, ClinGen allele CA2071911.